The following is an entry in ClinVar:

ClinVar aggregate classification (germline): Uncertain significance. Review status: criteria provided, multiple submitters, no conflicts (2 of 4 stars). 3 submissions from 3 submitters: Uncertain significance (3). Last evaluated 2022-08-23.

Conditions:
Peroxisome biogenesis disorder 3A (Zellweger). Also called: PEROXISOMAL BIOGENESIS DISORDER 3A (ZELLWEGER); Peroxisome biogenesis disorder 3A. Identifiers: Orphanet 912, MedGen C3553929, MONDO:0013927, OMIM 614859.
Inborn genetic diseases. Identifiers: MedGen C0950123, MeSH D030342.

Allele frequency attached by ClinVar (database versions not stated): ExAC 0.00005; gnomAD exomes 0.00005 and 0.00008; TOPMed 0.00007; gnomAD 0.00008; ESP Exome Variant Server 0.00015.

Submissions (3):

Labcorp Genetics (formerly Invitae), Labcorp
Classification: Uncertain significance for Peroxisome biogenesis disorder 3A (Zellweger). Last evaluated: 2022-08-23. Review status: criteria provided, single submitter. Criteria: Invitae Variant Classification Sherloc (09022015). Collection method: clinical testing. Allele origin: germline.
Comment: This sequence change replaces arginine, which is basic and polar, with tryptophan, which is neutral and slightly polar, at codon 311 of the PEX12 protein (p.Arg311Trp). This variant is present in population databases (rs373666248, gnomAD 0.01%). This variant has not been reported in the literature in individuals affected with PEX12-related conditions. ClinVar contains an entry for this variant (Variation ID: 196246). Algorithms developed to predict the effect of missense changes on protein structure and function are either unavailable or do not agree on the potential impact of this missense change (SIFT: "Deleterious"; PolyPhen-2: "Probably Damaging"; Align-GVGD: "Class C0"). In summary, the available evidence is currently insufficient to determine the role of this variant in disease. Therefore, it has been classified as a Variant of Uncertain Significance.

Ambry Genetics
Classification: Uncertain significance for Inborn genetic diseases. Last evaluated: 2021-08-02. Review status: criteria provided, single submitter. Criteria: Ambry Variant Classification Scheme 2023. Collection method: clinical testing. Allele origin: germline.

Eurofins Ntd Llc (ga)
Classification: Uncertain significance. Last evaluated: 2018-04-24. Review status: criteria provided, single submitter. Criteria: EGL ClinVar v180209 classification definitions. Collection method: clinical testing. Allele origin: germline. Observed: 2 variant alleles, 2 heterozygotes.

NM_000286.3(PEX12):c.931C>T (p.Arg311Trp)

Gene: PEX12 (peroxisomal biogenesis factor 12; minus strand). Cytogenetic location: 17q12.
Variant type: single nucleotide variant.
Coding change: c.931C>T on transcript NM_000286.3 (MANE Select); coding-DNA position 931, C replaced by T.
Protein change: p.Arg311Trp; replaces arginine 311 with tryptophan.
Molecular consequence: missense variant.
Genome position (GRCh38, 1-based): chr17:35,575,931, G>A on the plus strand (C>T on the coding strand, the complement: PEX12 is on the minus strand). VCF-style: chr17-35575931-G-A. GRCh37 (hg19) VCF-style: chr17-33902950-G-A.
Other names: c.931C>T (NM_000286.2); short protein forms R311W.
Identifiers: ClinVar variation 196246 (VCV000196246.7), dbSNP rs373666248, ClinGen allele CA243136.